The following is an entry in ClinVar:

NM_000238.4(KCNH2):c.865G>A (p.Glu289Lys)

Gene: KCNH2 (potassium voltage-gated channel subfamily H member 2; minus strand). Cytogenetic location: 7q36.1.
Variant type: single nucleotide variant.
Coding change: c.865G>A on transcript NM_000238.4 (MANE Select); coding-DNA position 865, G replaced by A.
Protein change: p.Glu289Lys; replaces glutamic acid 289 with lysine.
Molecular consequence: missense variant.
Genome position (GRCh38, 1-based): chr7:150,958,110, C>T on the plus strand (G>A on the coding strand, the complement: KCNH2 is on the minus strand). VCF-style: chr7-150958110-C-T. GRCh37 (hg19) VCF-style: chr7-150655198-C-T.
Other names: c.865G>A (LRG_288t1); c.577G>A, p.Glu193Lys (NM_001406753.1, NM_001406756.1); c.688G>A, p.Glu230Lys (NM_001406755.1); c.565G>A, p.Glu189Lys (NM_001406757.1); c.865G>A, p.Glu289Lys (NM_172056.3); short protein forms E289K, E193K, E230K, E189K.
Identifiers: ClinVar variation 67535 (VCV000067535.27), dbSNP rs199472880, ClinGen allele CA008907.

ClinVar aggregate classification (germline): Uncertain significance. Review status: criteria provided, multiple submitters, no conflicts (2 of 4 stars). 13 submissions from 13 submitters: Uncertain significance (10). 3 of the submissions do not count toward it. Last evaluated 2026-04-27.

Conditions:
Cardiovascular phenotype. Identifiers: MedGen CN230736.
Familial long QT syndrome (RWS). Also called: Congenital long QT syndrome; Romano-Ward syndrome; VENTRICULAR FIBRILLATION WITH PROLONGED QT INTERVAL. Identifiers: Orphanet 768, MedGen C1141890, MONDO:0019171.
Long QT syndrome (LQTS). Identifiers: MedGen C0023976, MeSH D008133, MONDO:0002442. Disease mechanism: loss of function. Inheritance: Various modes of inheritance.
Short QT syndrome type 1. Identifiers: Orphanet 51083, MedGen C1865020, MONDO:0012312, OMIM 609620.
Long QT syndrome 2 (LQT2). Identifiers: Orphanet 101016, Orphanet 768, MedGen C3150943, MONDO:0013367, OMIM 613688.

Allele frequency attached by ClinVar (database versions not stated): gnomAD exomes 0.00026; TOPMed 0.00011; gnomAD 0.00009.
gnomAD v4.1: 238 of 1,296,770 alleles (0.018%); highest among the groups gnomAD compares: Non-Finnish European, 0.021%; no homozygotes.

Submissions (13):

Clinical Genomics Laboratory, Washington University in St. Louis
Classification: Uncertain significance for Short QT syndrome type 1; Long QT syndrome 2. Last evaluated: 2026-04-27. Review status: criteria provided, single submitter. Criteria: ACMG Guidelines, 2015. Collection method: clinical testing. Allele origin: germline.
Comment: A KCNH2 c.865G>A (p.Glu289Lys) variant was identified in a heterozygous state. This variant has been reported in several individuals affected with long QT syndrome and inherited arrhythmogenic syndromes (Hedley PL et al., PMID: 19862833; Perry MD et al., PMID: 26958806; Campuzano O et al., PMID: 32268277; Shimizu W et al., PMID: 19926013; Diebold I et al., PMID: 32048431; Kaltman JR et al., PMID: 28988457). It has been reported in the ClinVar database as a germline variant of uncertain significance by several submitters (Variation ID: 67535). It is observed in 7/35,014 alleles in the general population (gnomAD v2.1.1). Computational predictors indicate that the variant is damaging, evidence that correlates with impact to KCNH2 function. Due to limited information, and based on ACMG/AMP guidelines for variant interpretation (Richards S et al., PMID: 25741868), the clinical significance of this variant is uncertain at this time.

Molecular Diagnostic Laboratory for Inherited Cardiovascular Disease, Montreal Heart Institute
Classification: Uncertain significance for Cardiovascular phenotype. Last evaluated: 2026-03-27. Review status: criteria provided, single submitter. Criteria: ACMG Guidelines, 2015. Collection method: clinical testing. Allele origin: germline. Affected: yes.
Comment: PP2, PP3, BS1, BS3_supp

GeneDx
Classification: Uncertain significance. Last evaluated: 2025-02-26. Review status: criteria provided, single submitter. Criteria: GeneDx Variant Classification Process June 2021. Collection method: clinical testing. Allele origin: germline. Affected: yes.
Comment: Reported in association with LQTS and sudden infant death syndrome; however, no detailed clinical information was provided (PMID: 19862833, 29544605, 37589201); Published functional studies suggest that this variant does not significantly impact protein expression (PMID: 26958806); In silico analysis indicates that this missense variant does not alter protein structure/function; This variant is associated with the following publications: (PMID: 28988457, 19862833, 32048431, 35932045, 37937776, 29544605, 37589201, 26958806)

Labcorp Genetics (formerly Invitae), Labcorp
Classification: Uncertain significance for Long QT syndrome. Last evaluated: 2025-02-02. Review status: criteria provided, single submitter. Criteria: Invitae Variant Classification Sherloc (09022015). Collection method: clinical testing. Allele origin: germline.
Comment: This sequence change replaces glutamic acid, which is acidic and polar, with lysine, which is basic and polar, at codon 289 of the KCNH2 protein (p.Glu289Lys). This variant is present in population databases (rs199472880, gnomAD 0.06%), and has an allele count higher than expected for a pathogenic variant. This missense change has been observed in individual(s) with clinical features of KCNH2-related conditions (PMID: 19862833, 19926013). ClinVar contains an entry for this variant (Variation ID: 67535). An algorithm developed to predict the effect of missense changes on protein structure and function (PolyPhen-2) suggests that this variant¬†is likely to be tolerated. Experimental studies have shown that this missense change does not substantially affect KCNH2 function (PMID: 26958806). In summary, the available evidence is currently insufficient to determine the role of this variant in disease. Therefore, it has been classified as a Variant of Uncertain Significance.

Blueprint Genetics
Classification: Uncertain significance. Last evaluated: 2023-10-19. Review status: criteria provided, single submitter. Criteria: ACMG Guidelines, 2015. Collection method: clinical testing. Allele origin: germline.

Ambry Genetics
Classification: Uncertain significance for Cardiovascular phenotype. Last evaluated: 2022-07-28. Review status: criteria provided, single submitter. Criteria: Ambry Variant Classification Scheme 2023. Collection method: clinical testing. Allele origin: germline.

Women's Health and Genetics/Laboratory Corporation of America, LabCorp
Classification: Uncertain significance. Last evaluated: 2021-09-23. Review status: criteria provided, single submitter. Criteria: LabCorp Variant Classification Summary - May 2015. Collection method: clinical testing. Allele origin: germline.
Comment: Variant summary: KCNH2 c.865G>A (p.Glu289Lys) results in a conservative amino acid change in the encoded protein sequence. Three of five in-silico tools predict a benign effect of the variant on protein function. The variant allele was found at a frequency of 0.00026 in 3916 control chromosomes. The available data on variant occurrences in the general population are insufficient to allow any conclusion about variant significance. c.865G>A has been reported in the literature in individuals affected with Arrhythmia (Hedley_2009, Shimizu_2009, Tester_2018). These reports do not provide unequivocal conclusions about association of the variant with Arrhythmia. At least one publication reports experimental evidence and showed no effect of this variant on protein expression (Perry_2016). Six clinical diagnostic laboratories have submitted clinical-significance assessments for this variant to ClinVar after 2014 without evidence for independent evaluation. All laboratories classified the variant as uncertain significance. Based on the evidence outlined above, the variant was classified as uncertain significance.

Fulgent Genetics
Classification: Uncertain significance for Short QT syndrome type 1; Long QT syndrome 2. Last evaluated: 2018-10-31. Review status: criteria provided, single submitter. Criteria: ACMG Guidelines, 2015. Collection method: clinical testing. Allele origin: unknown.

Genomic Diagnostic Laboratory, Division of Genomic Diagnostics, Children's Hospital of Philadelphia
Classification: Uncertain significance for Long QT syndrome 2. Last evaluated: 2015-06-25. Review status: criteria provided, single submitter. Criteria: DGD Variant Analysis Guidelines. Collection method: clinical testing. Allele origin: unknown.

Breakthrough Genomics
Classification: Uncertain significance. Review status: criteria provided, single submitter. Criteria: ACMG Guidelines, 2015. Collection method: not provided. Allele origin: germline. Inheritance: Autosomal recessive inheritance. Affected: yes.

Cardiovascular Biomedical Research Unit, Royal Brompton & Harefield NHS Foundation Trust
No classification provided. Condition: Familial long QT syndrome. Review status: no classification provided. Collection method: literature only. Allele origin: germline. Not counted in ClinVar's aggregate classification.
Comment: This variant has been reported as associated with Long QT syndrome in the following publications (PMID:19862833). This is a literature report, and does not necessarily reflect the clinical interpretation of the Imperial College / Royal Brompton Cardiovascular Genetics laboratory.

Clinical Genetics, Academic Medical Center
Classification: Uncertain significance. Review status: no assertion criteria provided. Collection method: clinical testing. Allele origin: germline. Affected: yes. Study: VKGL Data-share Consensus. Not counted in ClinVar's aggregate classification.

Joint Genome Diagnostic Labs from Nijmegen and Maastricht, Radboudumc and MUMC+
Classification: Uncertain significance. Review status: no assertion criteria provided. Collection method: clinical testing. Allele origin: germline. Affected: yes. Study: VKGL Data-share Consensus. Not counted in ClinVar's aggregate classification.

Literature cited by the submitters: uncertain (cited by Clinical Genomics Laboratory, Washington University in St. Louis); PubMed 19862833 (cited by 3 submitters); PubMed 19926013 (cited by Labcorp Genetics (formerly Invitae), Labcorp and Women's Health and Genetics/Laboratory Corporation of America, LabCorp); PubMed 26958806 (cited by Labcorp Genetics (formerly Invitae), Labcorp and Women's Health and Genetics/Laboratory Corporation of America, LabCorp); PubMed 32048431 (cited by Women's Health and Genetics/Laboratory Corporation of America, LabCorp); PubMed 29544605 (cited by Women's Health and Genetics/Laboratory Corporation of America, LabCorp); PubMed 22581653 (cited by Cardiovascular Biomedical Research Unit, Royal Brompton & Harefield NHS Foundation Trust).